The following is an entry in ClinVar:

NM_001025603.2(RFX5):c.1036G>A (p.Val346Ile)

Gene: RFX5 (regulatory factor X5; minus strand). Cytogenetic location: 1q21.3.
Variant type: single nucleotide variant.
Coding change: c.1036G>A on transcript NM_001025603.2 (MANE Select); coding-DNA position 1036, G replaced by A.
Protein change: p.Val346Ile; replaces valine 346 with isoleucine.
Molecular consequence: missense variant.
Genome position (GRCh38, 1-based): chr1:151,343,001, C>T on the plus strand (G>A on the coding strand, the complement: RFX5 is on the minus strand). VCF-style: chr1-151343001-C-T. GRCh37 (hg19) VCF-style: chr1-151315477-C-T.
Other names: c.1036G>A, p.Val346Ile (NM_001379415.1, NM_001379416.1, NM_001379417.1 and 5 more transcripts); c.916G>A, p.Val306Ile (NM_001379419.1, NM_001379420.1); short protein forms V306I, V346I.
Identifiers: ClinVar variation 4733543 (VCV004733543.1).
Genomic context (GRCh38, chr1:151,343,001, plus strand): 5'-GCAGTGTAGCCACTTTCAGGGCACCTGAAGAAAGCCTGGGGGCCAGAATAGGTGGAGAGA[C>T]TGGGATTGGCGGAATTAGTGAGCGAGGGGCCCGGGGAAGGAGCAGAGGCAGCCGAGCCAC-3'
Protein context (NP_001020774.1, residues 336-356): APRSLIPPIP[Val346Ile]SPPILAPRLS

ClinVar aggregate classification (germline): Uncertain significance (1 of 4 stars; one submission).

Conditions:
MHC class II deficiency. Also called: BLS, TYPE II; Bare lymphocyte syndrome 2. Identifiers: Orphanet 572, MedGen C5447452, MONDO:0008855.

Submission:

Labcorp Genetics (formerly Invitae), Labcorp
Classification: Uncertain significance for MHC class II deficiency. Last evaluated: 2025-12-22. Review status: criteria provided, single submitter. Criteria: Invitae Variant Classification Sherloc (09022015). Collection method: clinical testing. Allele origin: germline.
Comment: This sequence change replaces valine, which is neutral and non-polar, with isoleucine, which is neutral and non-polar, at codon 346 of the RFX5 protein (p.Val346Ile). This variant is present in population databases (rs761888069, gnomAD 0.0009%). This variant has not been reported in the literature in individuals affected with RFX5-related conditions. An algorithm developed to predict the effect of missense changes on protein structure and function (PolyPhen-2) suggests that this variant is likely to be disruptive. In summary, the available evidence is currently insufficient to determine the role of this variant in disease. Therefore, it has been classified as a Variant of Uncertain Significance.